The following is an entry in ClinVar:

NM_021625.5(TRPV4):c.1292C>T (p.Ala431Val)

Gene: TRPV4 (transient receptor potential cation channel subfamily V member 4; minus strand). Cytogenetic location: 12q24.11.
Variant type: single nucleotide variant.
Coding change: c.1292C>T on transcript NM_021625.5 (MANE Select); coding-DNA position 1292, C replaced by T.
Protein change: p.Ala431Val; replaces alanine 431 with valine.
Molecular consequence: missense variant. On other transcripts: intron variant (2).
Genome position (GRCh38, 1-based): chr12:109,796,565, G>A on the plus strand (C>T on the coding strand, the complement: TRPV4 is on the minus strand). VCF-style: chr12-109796565-G-A. GRCh37 (hg19) VCF-style: chr12-110234370-G-A.
Other names: c.1151C>T, p.Ala384Val (NM_001177428.2); c.1190C>T, p.Ala397Val (NM_001177431.2); c.1011+2049C>T (NM_001177433.1); c.1152+2049C>T (NM_147204.2); short protein forms A384V, A397V, A431V.
Identifiers: ClinVar variation 1365716 (VCV001365716.6), dbSNP rs2136502657, ClinGen allele CA386653501.

ClinVar aggregate classification (germline): Uncertain significance (1 of 4 stars; one submission).

Conditions:
Charcot-Marie-Tooth disease axonal type 2C (HMSN2C). Also called: Charcot-Marie-Tooth Disease Type 2, TRPV4-Related (CMT2C); CHARCOT-MARIE-TOOTH DISEASE, AXONAL, AUTOSOMAL DOMINANT, TYPE 2C; Charcot-Marie-Tooth Neuropathy Type 2C. Identifiers: Orphanet 99937, MedGen C1853710, MONDO:0011633, OMIM 606071.

Allele frequency attached by ClinVar (database versions not stated): gnomAD exomes below 0.00001.
gnomAD v4.1: 4 of 1,614,112 alleles (0.00025%); highest among the groups gnomAD compares: South Asian, 0.0033%; no homozygotes.

Submission:

Labcorp Genetics (formerly Invitae), Labcorp
Classification: Uncertain significance for Charcot-Marie-Tooth disease axonal type 2C. Last evaluated: 2024-12-02. Review status: criteria provided, single submitter. Criteria: Invitae Variant Classification Sherloc (09022015). Collection method: clinical testing. Allele origin: germline.
Comment: This sequence change replaces alanine, which is neutral and non-polar, with valine, which is neutral and non-polar, at codon 431 of the TRPV4 protein (p.Ala431Val). This variant is not present in population databases (gnomAD no frequency). This variant has not been reported in the literature in individuals affected with TRPV4-related conditions. ClinVar contains an entry for this variant (Variation ID: 1365716). Invitae Evidence Modeling of protein sequence and biophysical properties (such as structural, functional, and spatial information, amino acid conservation, physicochemical variation, residue mobility, and thermodynamic stability) indicates that this missense variant is not expected to disrupt TRPV4 protein function with a negative predictive value of 95%. In summary, the available evidence is currently insufficient to determine the role of this variant in disease. Therefore, it has been classified as a Variant of Uncertain Significance.